The following is an entry in ClinVar:

ClinVar aggregate classification (germline): Likely benign. Review status: criteria provided, multiple submitters, no conflicts (2 of 4 stars). 2 submissions from 2 submitters: Likely benign (2). Last evaluated 2025-09-03.

Conditions:
Wilson disease (WND). Also called: Wilson's disease. Identifiers: Orphanet 905, MedGen C0019202, MONDO:0010200, OMIM 277900. Disease mechanism: loss of function.

gnomAD v4.1: 3 of 1,614,236 alleles (0.00019%); highest among the groups gnomAD compares: Non-Finnish European, 0.00025%; no homozygotes.

Submissions (2):

Labcorp Genetics (formerly Invitae), Labcorp
Classification: Likely benign for Wilson disease. Last evaluated: 2025-09-03. Review status: criteria provided, single submitter. Criteria: Invitae Variant Classification Sherloc (09022015). Collection method: clinical testing. Allele origin: germline.

All of Us Research Program, National Institutes of Health
Classification: Likely benign for Wilson disease. Last evaluated: 2023-11-30. Review status: criteria provided, single submitter. Criteria: ACMG Guidelines, 2015. Collection method: clinical testing. Allele origin: germline. Inheritance: Autosomal recessive inheritance. Observed: 1 variant allele, 1 heterozygote.
Comment: This study involves interpretation of variants in research participants for the purpose of population health screening. Participant phenotype was not available at the time of variant classification. Additional details can be found in publication PMID: 35346344, PMCID: PMC8962531

NM_000053.4(ATP7B):c.3915G>C (p.Leu1305=)

Gene: ATP7B (ATPase copper transporting beta; minus strand). Cytogenetic location: 13q14.3.
Variant type: single nucleotide variant.
Coding change: c.3915G>C on transcript NM_000053.4 (MANE Select); coding-DNA position 3915, G replaced by C.
Protein change: p.Leu1305=; no amino-acid change (leucine 1305 retained).
Molecular consequence: synonymous variant.
Genome position (GRCh38, 1-based): chr13:51,937,382, C>G on the plus strand (G>C on the coding strand, the complement: ATP7B is on the minus strand). VCF-style: chr13-51937382-C-G. GRCh37 (hg19) VCF-style: chr13-52511518-C-G.
Other names: c.3915G>C, p.Leu1305= (NM_001406511.1, NM_001406512.1); c.3909G>C, p.Leu1303= (NM_001406513.1); c.3882G>C, p.Leu1294= (NM_001406514.1); c.3861G>C, p.Leu1287= (NM_001406515.1, NM_001406516.1); c.3819G>C, p.Leu1273= (NM_001406517.1, NM_001406518.1); c.3780G>C, p.Leu1260= (NM_001406519.1); c.3771G>C, p.Leu1257= (NM_001406520.1, NM_001406521.1, NM_001406522.1); c.3732G>C, p.Leu1244= (NM_001406523.1); and 21 more.
Identifiers: ClinVar variation 3020148 (VCV003020148.4), dbSNP rs1372918413, ClinGen allele CA484024260.
Genomic context (GRCh38, chr13:51,937,382, plus strand): 5'-CAGGTTGATGCGTATCCTTCGGACAGTCCTCTTGGAAAGGTGAATGCTAGCCACCACATC[C>G]AGCAAATCATTCTGATGGAGAGGAGCACACAGTGAGGAAGGGGTCTGCCCATTGCCCTCC-3'
Protein context (NP_000044.2, residues 1295-1315): ADVVLIRNDL[Leu1305=]DVVASIHLSK